The following is an entry in ClinVar:

NM_170675.5(MEIS2):c.170del (p.His57fs)

Gene: MEIS2 (Meis homeobox 2; minus strand). Cytogenetic location: 15q14.
Variant type: Deletion.
Coding change: c.170del on transcript NM_170675.5 (MANE Select); coding-DNA position 170, one base deleted (A; older notation c.170delA).
Protein change: p.His57fs; shifts the reading frame from histidine 57.
Molecular consequence: frameshift variant. On other transcripts: 5 prime UTR variant (1), non-coding transcript variant (1).
Genome position (GRCh38, 1-based): chr15:37,098,042, T deleted on the plus strand (A on the coding strand, the reverse complement: MEIS2 is on the minus strand). VCF-style (leftmost placement, unchanged base first): chr15-37098041-GT-G. GRCh37 (hg19) VCF-style: chr15-37390242-GT-G.
Other names: c.170del, p.His57fs (NM_001220482.2, NM_170674.5, NM_170676.5 and 1 more transcripts); c.131del, p.His44fs (NM_002399.4, NM_172315.3); c.-72del (NM_172316.3); c.170delA (NM_170675.5); short protein forms H44fs, H57fs.
Identifiers: ClinVar variation 3773800 (VCV003773800.1).

ClinVar aggregate classification (germline): Likely pathogenic (1 of 4 stars; one submission).

Conditions:
Syndromic intellectual disability. Also called: Intellectual disability syndrome. Identifiers: Orphanet 183763, MedGen C5680525, MONDO:0000508.

Submission:

Molecular Genetics, Royal Melbourne Hospital
Classification: Likely pathogenic for Syndromic intellectual disability. Last evaluated: 2024-10-03. Review status: criteria provided, single submitter. Criteria: ACMG Guidelines, 2015. Collection method: clinical testing. Allele origin: germline. Inheritance: Autosomal dominant inheritance. Affected: yes.
Comment: This sequence change in MEIS2 is a frameshift variant predicted to create a premature stop codon, p.(His57Profs*17), in biologically relevant exon 2/12 leading to nonsense-mediated decay in a gene in which loss-of-function is an established disease mechanism (PMID: 24678003, 30291340). This variant is absent from the population database gnomAD v4.1. To our knowledge, this variant is novel and has not been previously reported in the relevant scientific literature or databases. Based on the classification scheme RMH Modified ACMG/AMP Guidelines v1.7.0, this variant is classified as LIKELY PATHOGENIC. Following criteria are met: PVS1, PM2_Supporting.

Literature cited by the submitters: PubMed 24678003; PubMed 30291340.